The following is an entry in ClinVar:

NM_016929.5(CLIC5):c.435A>G (p.Leu145=)

Gene: CLIC5 (chloride intracellular channel 5; minus strand). Cytogenetic location: 6p21.1.
Variant type: single nucleotide variant.
Coding change: c.435A>G on transcript NM_016929.5 (MANE Select); coding-DNA position 435, A replaced by G.
Protein change: p.Leu145=; no amino-acid change (leucine 145 retained).
Molecular consequence: synonymous variant. On other transcripts: non-coding transcript variant (3).
Genome position (GRCh38, 1-based): chr6:45,914,381, T>C on the plus strand (A>G on the coding strand, the complement: CLIC5 is on the minus strand). VCF-style: chr6-45914381-T-C. GRCh37 (hg19) VCF-style: chr6-45882118-T-C.
Other names: c.912A>G, p.Leu304= (NM_001114086.2, NM_001370650.1); c.435A>G, p.Leu145= (NM_001256023.2); c.318A>G, p.Leu106= (NM_001370649.1).
Identifiers: ClinVar variation 1318346 (VCV001318346.4), dbSNP rs141553236, ClinGen allele CA3836769.
Genomic context (GRCh38, chr6:45,914,381, plus strand): 5'-ACAAGTGTTGGCGTCAATCTCCTCTGGTAGAGGGGTGTTCAGGTAGTCATCCAATTTCTT[T>C]AGAGCCTTGGTTAGGCCTCTTTCAAGAGCTGGCATGAAAGAGTAAAAGGGCCTTTATTCA-3'
Protein context (NP_058625.2, residues 135-155): AALERGLTKA[Leu145=]KKLDDYLNTP

ClinVar aggregate classification (germline): Likely benign. Review status: criteria provided, single submitter (1 of 4 stars). 2 submissions from 2 submitters: Likely benign (1). 1 of the submissions does not count toward it. Last evaluated 2019-04-12.

Conditions:
CLIC5-related disorder. Also called: CLIC5-related condition.

Allele frequency attached by ClinVar (database versions not stated): gnomAD exomes 0.00014; ESP Exome Variant Server 0.00015.
gnomAD v4.1: 212 of 1,587,706 alleles (0.013%); highest among the groups gnomAD compares: Non-Finnish European, 0.017%; no homozygotes.

Submissions (2):

GeneDx
Classification: Likely benign. Last evaluated: 2019-04-12. Review status: criteria provided, single submitter. Criteria: GeneDx Variant Classification Process June 2021. Collection method: clinical testing. Allele origin: germline. Affected: yes.

PreventionGenetics, part of Exact Sciences
Classification: Likely benign for CLIC5-related condition. Last evaluated: 2019-06-24. Review status: no assertion criteria provided. Collection method: clinical testing. Allele origin: germline. Not counted in ClinVar's aggregate classification.
Comment: This variant is classified as likely benign based on ACMG/AMP sequence variant interpretation guidelines (Richards et al. 2015 PMID: 25741868, with internal and published modifications).